The following is an entry in ClinVar:

NM_001329943.3(KIAA0586):c.3481G>T (p.Glu1161Ter)

Gene: KIAA0586 (KIAA0586; plus strand). Cytogenetic location: 14q23.1.
Variant type: single nucleotide variant.
Coding change: c.3481G>T on transcript NM_001329943.3 (MANE Select); coding-DNA position 3481, G replaced by T.
Protein change: p.Glu1161Ter; replaces glutamic acid 1161 with a stop codon.
Molecular consequence: nonsense.
Genome position (GRCh38, 1-based): chr14:58,488,063, G>T. VCF-style: chr14-58488063-G-T. GRCh37 (hg19) VCF-style: chr14-58954781-G-T.
Other names: c.3253G>T, p.Glu1085Ter (NM_014749.5); c.3226G>T, p.Glu1076Ter (NM_001244191.2, NM_001329945.2, NM_001364700.1 and 1 more transcripts); c.3349G>T, p.Glu1117Ter (NM_001244192.2); c.3061G>T, p.Glu1021Ter (NM_001244193.2); c.3481G>T, p.Glu1161Ter (NM_001329944.2, NM_001329946.2, NM_001329947.2); c.3640G>T, p.Glu1214Ter (NM_001244189.2); c.3436G>T, p.Glu1146Ter (NM_001244190.2); short protein forms E1085*, E1021*, E1117*, E1214*, E1076*, E1146*, E1161*.
Identifiers: ClinVar variation 2948901 (VCV002948901.3), dbSNP rs746158069, ClinGen allele CA261647817.

ClinVar aggregate classification (germline): Pathogenic (1 of 4 stars; one submission).

Conditions:
Short-rib thoracic dysplasia 14 with polydactyly (SRTD14). Identifiers: Orphanet 397715, MedGen C4225286, MONDO:0014688, OMIM 616546.
Joubert syndrome 23 (JBTS23). Identifiers: Orphanet 475, MedGen C4084822, MONDO:0014664, OMIM 616490.

gnomAD v4.1: 1 of 1,609,836 alleles (0.000062%); highest among the groups gnomAD compares: East Asian, 0.0022%; no homozygotes.

Submission:

Labcorp Genetics (formerly Invitae), Labcorp
Classification: Pathogenic for Joubert syndrome 23; Short-rib thoracic dysplasia 14 with polydactyly. Last evaluated: 2023-06-15. Review status: criteria provided, single submitter. Criteria: Invitae Variant Classification Sherloc (09022015). Collection method: clinical testing. Allele origin: germline.
Comment: This sequence change creates a premature translational stop signal (p.Glu1214*) in the KIAA0586 gene. It is expected to result in an absent or disrupted protein product. Loss-of-function variants in KIAA0586 are known to be pathogenic (PMID: 26096313, 26166481, 26386044). For these reasons, this variant has been classified as Pathogenic. This variant has not been reported in the literature in individuals affected with KIAA0586-related conditions. This variant is not present in population databases (gnomAD no frequency).

Literature cited by the submitters: PubMed 26096313; PubMed 26166481; PubMed 26386044.